The following is an entry in ClinVar:

NM_032360.4(ACBD6):c.-10G>T

Gene: ACBD6 (acyl-CoA binding domain containing 6; minus strand). Cytogenetic location: 1q25.3.
Variant type: single nucleotide variant.
Coding change: c.-10G>T on transcript NM_032360.4 (MANE Select); 10 bases upstream of the start codon, G replaced by T.
Molecular consequence: 5 prime UTR variant.
Genome position (GRCh38, 1-based): chr1:180,502,276, C>A on the plus strand (G>T on the coding strand, the complement: ACBD6 is on the minus strand). VCF-style: chr1-180502276-C-A. GRCh37 (hg19) VCF-style: chr1-180471411-C-A.
Identifiers: ClinVar variation 3035697 (VCV003035697.2), dbSNP rs1557898101, ClinGen allele CA2649364708.
Genomic context (GRCh38, chr1:180,502,276, plus strand): 5'-TCCACCGCTGTCGCCGGTGATGGCCCCCGCGGGCAGGAATGATGAAGCCATGTCTCCTTG[C>A]TCGCTCCGTCCCTCTGTGTCCGGTCTGTCCTCCTTGGATTGGGTGTAAGGCCGGCTTGGA-3'

ClinVar aggregate classification (germline): Likely benign (0 of 4 stars; one submission).

Conditions:
ACBD6-related disorder. Also called: ACBD6-related condition.

gnomAD v4.1: 1 of 1,612,136 alleles (0.000062%); highest among the groups gnomAD compares: Non-Finnish European, 0.000085%; no homozygotes.

Submission:

PreventionGenetics, part of Exact Sciences
Classification: Likely benign for ACBD6-related condition. Last evaluated: 2019-08-08. Review status: no assertion criteria provided. Collection method: clinical testing. Allele origin: germline.
Comment: This variant is classified as likely benign based on ACMG/AMP sequence variant interpretation guidelines (Richards et al. 2015 PMID: 25741868, with internal and published modifications).